The following is an entry in ClinVar:

NM_000030.3(AGXT):c.489G>A (p.Leu163=)

Gene: AGXT (alanine--glyoxylate aminotransferase; plus strand). Cytogenetic location: 2q37.3.
Variant type: single nucleotide variant.
Coding change: c.489G>A on transcript NM_000030.3 (MANE Select); coding-DNA position 489, G replaced by A.
Protein change: p.Leu163=; no amino-acid change (leucine 163 retained).
Molecular consequence: synonymous variant.
Genome position (GRCh38, 1-based): chr2:240,871,414, G>A. VCF-style: chr2-240871414-G-A. GRCh37 (hg19) VCF-style: chr2-241810831-G-A.
Identifiers: ClinVar variation 204040 (VCV000204040.44), dbSNP rs147601535, ClinGen allele CA275577.

ClinVar aggregate classification (germline): Likely benign. Review status: criteria provided, multiple submitters, no conflicts (2 of 4 stars). 6 submissions from 6 submitters: Likely benign (4). 2 of the submissions do not count toward it. Last evaluated 2026-01-31.

Conditions:
Primary hyperoxaluria, type I (HP1). Also called: Primary hyperoxaluria type 1; OXALOSIS I; GLYCOLIC ACIDURIA; HEPATIC AGT DEFICIENCY. Identifiers: Orphanet 416, Orphanet 93598, MedGen C0268164, MONDO:0009823, OMIM 259900. Disease mechanism: loss of function.

Allele frequency attached by ClinVar (database versions not stated): ESP Exome Variant Server 0.00008; gnomAD 0.00018 and 0.00019; TOPMed 0.00018; gnomAD exomes 0.00020 and 0.00021; ExAC 0.00033.
gnomAD v4.1: 332 of 1,599,146 alleles (0.021%); highest among the groups gnomAD compares: Middle Eastern, 0.15%; 1 homozygote.

Submissions (6):

Labcorp Genetics (formerly Invitae), Labcorp
Classification: Likely benign. Last evaluated: 2026-01-31. Review status: criteria provided, single submitter. Criteria: Invitae Variant Classification Sherloc (09022015). Collection method: clinical testing. Allele origin: germline.

Blueprint Genetics
Classification: Likely benign. Last evaluated: 2024-11-07. Review status: criteria provided, single submitter. Criteria: ACMG Guidelines, 2015. Collection method: clinical testing. Allele origin: germline.

CeGaT Center for Human Genetics Tuebingen
Classification: Likely benign. Last evaluated: 2023-01-01. Review status: criteria provided, single submitter. Criteria: CeGaT Center For Human Genetics Tuebingen Variant Classification Criteria Version 2. Collection method: clinical testing. Allele origin: germline. Affected: yes. Observed: 1 variant allele.
Comment: AGXT: BP4, BP7

PreventionGenetics, part of Exact Sciences
Classification: Likely benign. Review status: criteria provided, single submitter. Criteria: ACMG Guidelines, 2015. Collection method: clinical testing. Allele origin: germline.

Natera, Inc.
Classification: Likely benign for Primary hyperoxaluria type I. Last evaluated: 2020-05-02. Review status: no assertion criteria provided. Collection method: clinical testing. Allele origin: germline. Not counted in ClinVar's aggregate classification.

Clinical Biochemistry Laboratory, Health Services Laboratory
Classification: Uncertain significance for Primary hyperoxaluria, type I. Last evaluated: 2014-11-27. Review status: flagged submission. Collection method: research. Allele origin: germline. Affected: yes. Not counted in ClinVar's aggregate classification.
ClinVar note: Reason: Older claim that does not account for recent evidence

Literature cited by the submitters: PubMed 19479957 (cited by Clinical Biochemistry Laboratory, Health Services Laboratory).